The following is an entry in ClinVar:

ClinVar aggregate classification (germline): Uncertain significance (1 of 4 stars; one submission).

Conditions:
Inborn genetic diseases. Identifiers: MedGen C0950123, MeSH D030342.

Submission:

Ambry Genetics
Classification: Uncertain significance for Inborn genetic diseases. Last evaluated: 2024-09-04. Review status: criteria provided, single submitter. Criteria: Ambry Variant Classification Scheme 2023. Collection method: clinical testing. Allele origin: germline.
Comment: The c.2517_2534del18 (p.G842_A847del) alteration is located in exon 14 (coding exon 13) of the SPTBN2 gene. This alteration consists of an in-frame deletion of 18 nucleotides between nucleotide positions c.2517 and c.2534, resulting in the deletion of 6 residues. This variant was not reported in population-based cohorts in the Genome Aggregation Database (gnomAD). This amino acid position is not well conserved in available vertebrate species. This alteration is predicted to be deleterious by in silico analysis (Choi, 2012). Based on insufficient or conflicting evidence, the clinical significance of this alteration remains unclear.

NM_006946.4(SPTBN2):c.2517_2534del (p.Gly842_Ala847del)

Gene: SPTBN2 (spectrin beta, non-erythrocytic 2; minus strand). Cytogenetic location: 11q13.2.
Variant type: Deletion.
Coding change: c.2517_2534del on transcript NM_006946.4 (MANE Select); coding-DNA positions 2517 to 2534, 18 bases deleted (CCGGGCAGGCGAGCGAGC).
Protein change: p.Gly842_Ala847del.
Genome position (GRCh38, 1-based): chr11:66,704,742-66,704,759, GCTCGCTCGCCTGCCCGG deleted on the plus strand (CCGGGCAGGCGAGCGAGC on the coding strand, the reverse complement: SPTBN2 is on the minus strand); deleting any 18 consecutive bases within chr11:66,704,742-66,704,761 gives the same sequence; the c. name uses the placement nearest the transcript's 3' end. VCF-style (leftmost placement, unchanged base first): chr11-66704741-CGCTCGCTCGCCTGCCCGG-C. GRCh37 (hg19) VCF-style: chr11-66472212-CGCTCGCTCGCCTGCCCGG-C.
Other names: c.2538_2555del, p.Gly849_Ala854del (NM_001411025.1).
Identifiers: ClinVar variation 3448998 (VCV003448998.1).
Genomic context (GRCh38, chr11:66,704,741, plus strand): 5'-TCCACAGGCCCCGGCCTCGCTGAGCATGGTGTAGAGCGCCAGGGCTGCCTCCAAGGCCCG[CGCTCGCTCGCCTGCCCGG>C]GCCTGCAGCTCCTCGTAGTGCCGCTCCAGGGTGGGCACCCGGCTCTGCACCTCGGGCGTG-3'